The following is an entry in ClinVar:

ClinVar aggregate classification (germline): Uncertain significance (1 of 4 stars; one submission).

Conditions:
Glycogen storage disease type X (GSD10). Also called: Glycogen storage disease due to phosphoglycerate mutase deficiency; GSD X; MYOPATHY DUE TO PHOSPHOGLYCERATE MUTASE DEFICIENCY; PGAMM DEFICIENCY; PHOSPHOGLYCERATE MUTASE, MUSCLE, DEFICIENCY OF; Dimauro disease. Identifiers: Orphanet 97234, MedGen C0268149, MONDO:0009865, OMIM 261670.

Submission:

Labcorp Genetics (formerly Invitae), Labcorp
Classification: Uncertain significance for Glycogen storage disease type X. Last evaluated: 2024-02-17. Review status: criteria provided, single submitter. Criteria: Invitae Variant Classification Sherloc (09022015). Collection method: clinical testing. Allele origin: germline.
Comment: This sequence change falls in intron 1 of the PGAM2 gene. It does not directly change the encoded amino acid sequence of the PGAM2 protein. It affects a nucleotide within the consensus splice site. This variant is not present in population databases (gnomAD no frequency). This variant has not been reported in the literature in individuals affected with PGAM2-related conditions. ClinVar contains an entry for this variant (Variation ID: 1059765). Variants that disrupt the consensus splice site are a relatively common cause of aberrant splicing (PMID: 17576681, 9536098). Algorithms developed to predict the effect of sequence changes on RNA splicing suggest that this variant is not likely to affect RNA splicing. In summary, the available evidence is currently insufficient to determine the role of this variant in disease. Therefore, it has been classified as a Variant of Uncertain Significance.

Literature cited by the submitters: PubMed 17576681; PubMed 9536098.

NM_000290.4(PGAM2):c.414+6C>T

Genes: DBNL (drebrin like; plus strand), PGAM2 (phosphoglycerate mutase 2; minus strand). Cytogenetic location: 7p13.
Variant type: single nucleotide variant.
Coding change: c.414+6C>T on transcript NM_000290.4 (MANE Select); 6 bases into the intron after coding-DNA position 414, C replaced by T.
Molecular consequence: intron variant. On other transcripts: 3 prime UTR variant (6).
Genome position (GRCh38, 1-based): chr7:44,065,110, G>A on the plus strand (C>T on the coding strand, the complement: PGAM2 is on the minus strand). VCF-style: chr7-44065110-G-A. GRCh37 (hg19) VCF-style: chr7-44104709-G-A.
Other names: c.*4194G>A (NM_001014436.3, NM_001122956.2, NM_001284313.2 and 3 more transcripts).
Identifiers: ClinVar variation 1059765 (VCV001059765.9), dbSNP rs2128796381, ClinGen allele CA454860566.